The following is an entry in ClinVar:

NM_000535.7(PMS2):c.2006+6G>A

Gene: PMS2 (PMS1 homolog 2, mismatch repair system component; minus strand). Cytogenetic location: 7p22.1.
Variant type: single nucleotide variant.
Coding change: c.2006+6G>A on transcript NM_000535.7 (MANE Select); 6 bases into the intron after coding-DNA position 2006, G replaced by A.
Molecular consequence: intron variant.
Genome position (GRCh38, 1-based): chr7:5,986,753, C>T on the plus strand (G>A on the coding strand, the complement: PMS2 is on the minus strand). VCF-style: chr7-5986753-C-T. GRCh37 (hg19) VCF-style: chr7-6026384-C-T.
Other names: c.1688+6G>A (NM_001322008.2, NM_001322007.2); c.1445+6G>A (NM_001322010.2); c.1601+6G>A (NM_001322004.2, NM_001322003.2, NM_001322009.2 and 1 more transcripts); c.1433+6G>A (NM_001322013.2); c.1073+6G>A (NM_001322012.2, NM_001322011.2); c.1697+6G>A (NM_001322015.2); c.1850+6G>A (NM_001322006.2); c.2006+6G>A (NM_001322014.2).
Identifiers: ClinVar variation 91324 (VCV000091324.51), dbSNP rs111905775, ClinGen allele CA010660.
Genomic context (GRCh38, chr7:5,986,753, plus strand): 5'-AAAAAATAAAAAATAAAAATAAAAATTTTAGATAAAAAGAGAAAAAGTAAAAAATTAAAA[C>T]TTTACCTTATCTCTTTTCTTAGTTCATCTTCGGCTGCTTGATTTTCTCCAGGACAAATCT-3'

ClinVar aggregate classification (germline): Benign. Review status: reviewed by expert panel (3 of 4 stars). 19 submissions from 19 submitters: Benign (1). 18 of the submissions do not count toward it. Last evaluated 2013-09-05.

Conditions:
Lynch syndrome. Identifiers: Orphanet 144, MedGen C4552100, MONDO:0005835. Disease mechanism: loss of function.
Hereditary cancer-predisposing syndrome. Also called: Neoplastic Syndromes, Hereditary; Hereditary Cancer Syndrome; Tumor predisposition; Hereditary neoplastic syndrome. Identifiers: Orphanet 140162, MedGen C0027672, MeSH D009386, MONDO:0015356.
Endometrial carcinoma. Also called: Endometrial carcinoma, somatic. Identifiers: MedGen C0476089, MONDO:0002447, OMIM 608089, HP:0012114.
Lynch syndrome 4 (LYNCH4). Also called: Hereditary non-polyposis colorectal cancer, type 4; Colorectal cancer, hereditary nonpolyposis, type 4. Identifiers: Orphanet 144, MedGen C1838333, MONDO:0013699, OMIM 614337. Disease mechanism: loss of function.
Hereditary nonpolyposis colorectal neoplasms. Identifiers: MedGen C0009405, MeSH D003123.

Allele frequency attached by ClinVar (database versions not stated): ESP Exome Variant Server 0.03112; gnomAD 0.04390 and 0.05186; TOPMed 0.04401; gnomAD exomes 0.05537 and 0.07603; ExAC 0.08185; 1000 Genomes Project 30x 0.10369; 1000 Genomes Project 0.11042.

Submissions (19):

International Society for Gastrointestinal Hereditary Tumours (InSiGHT)
Classification: Benign for Lynch Syndrome. Last evaluated: 2013-09-05. Review status: reviewed by expert panel. Criteria: Guidelines v1.9. Collection method: research. Allele origin: germline.
Comment: MAF >1%

Classified with v1.9 guidelines
ClinVar note: Converted during submission from no known pathogenicity to Benign.

Labcorp Genetics (formerly Invitae), Labcorp
Classification: Benign for Hereditary nonpolyposis colorectal neoplasms. Last evaluated: 2026-02-04. Review status: criteria provided, single submitter. Criteria: Invitae Variant Classification Sherloc (09022015). Collection method: clinical testing. Allele origin: germline. Not counted in ClinVar's aggregate classification.

ARUP Laboratories, Molecular Genetics and Genomics, ARUP Laboratories
Classification: Benign. Last evaluated: 2025-07-30. Review status: criteria provided, single submitter. Criteria: ARUP Molecular Germline Variant Investigation Process 2024. Collection method: clinical testing. Allele origin: germline. Not counted in ClinVar's aggregate classification.

GeneKor MSA
Classification: Benign for Lynch syndrome. Last evaluated: 2025-07-10. Review status: criteria provided, single submitter. Criteria: ACMG Guidelines, 2015. Collection method: clinical testing. Allele origin: germline. Not counted in ClinVar's aggregate classification.

Blueprint Genetics
Classification: Likely benign. Last evaluated: 2024-11-27. Review status: criteria provided, single submitter. Criteria: ACMG Guidelines, 2015. Collection method: clinical testing. Allele origin: germline. Not counted in ClinVar's aggregate classification.

Myriad Genetics, Inc.
Classification: Benign for Lynch syndrome 4. Last evaluated: 2023-04-05. Review status: criteria provided, single submitter. Criteria: Myriad Autosomal Dominant, Autosomal Recessive and X-Linked Classification Criteria (2023). Collection method: clinical testing. Allele origin: unknown. Not counted in ClinVar's aggregate classification.
Comment: This variant is considered benign. This variant is intronic and is not expected to impact mRNA splicing. This variant has been observed at a population frequency that is significantly greater than expected given the associated disease prevalence and penetrance.

Eurofins Ntd Llc (ga)
Classification: Benign. Last evaluated: 2018-03-21. Review status: criteria provided, single submitter. Criteria: EGL ClinVar v180209 classification definitions. Collection method: clinical testing. Allele origin: germline. Observed: 14 variant alleles, 12 heterozygotes, 2 homozygotes. Not counted in ClinVar's aggregate classification.

Illumina Laboratory Services, Illumina
Classification: Benign for Lynch syndrome 4. Last evaluated: 2018-01-13. Review status: criteria provided, single submitter. Criteria: ICSL Variant Classification Criteria 13 December 2019. Collection method: clinical testing. Allele origin: germline. Not counted in ClinVar's aggregate classification.
Comment: This variant was observed in the ICSL laboratory as part of a predisposition screen in an ostensibly healthy population. It had not been previously curated by ICSL or reported in the Human Gene Mutation Database (HGMD: prior to June 1st, 2018), and was therefore a candidate for classification through an automated scoring system. Utilizing variant allele frequency, disease prevalence and penetrance estimates, and inheritance mode, an automated score was calculated to assess if this variant is too frequent to cause the disease. Based on the score and internal cut-off values, a variant classified as benign is not then subjected to further curation. The score for this variant resulted in a classification of benign for this disease.

Clinical Genetics DNA and cytogenetics Diagnostics Lab, Erasmus MC, Erasmus Medical Center
Classification: Benign for Lynch syndrome 4. Last evaluated: 2017-05-31. Review status: criteria provided, single submitter. Criteria: ACGS Guidelines, 2013. Collection method: clinical testing. Allele origin: germline. Affected: yes. Study: VKGL Data-share Consensus. Not counted in ClinVar's aggregate classification.

GeneDx
Classification: Benign. Last evaluated: 2015-03-03. Review status: criteria provided, single submitter. Criteria: GeneDx Variant Classification Process June 2021. Collection method: clinical testing. Allele origin: germline. Affected: yes. Not counted in ClinVar's aggregate classification.
Comment: This variant is associated with the following publications: (PMID: 24710284)

Color Diagnostics, LLC DBA Color Health
Classification: Benign for Hereditary cancer-predisposing syndrome. Last evaluated: 2014-12-10. Review status: criteria provided, single submitter. Criteria: ACMG Guidelines, 2015. Collection method: clinical testing. Allele origin: germline. Not counted in ClinVar's aggregate classification.

Ambry Genetics
Classification: Benign for Hereditary cancer-predisposing syndrome. Last evaluated: 2014-11-18. Review status: criteria provided, single submitter. Criteria: Ambry Variant Classification Scheme 2023. Collection method: clinical testing. Allele origin: germline. Not counted in ClinVar's aggregate classification.

PreventionGenetics, part of Exact Sciences
Classification: Benign. Review status: criteria provided, single submitter. Criteria: ACMG Guidelines, 2015. Collection method: clinical testing. Allele origin: germline. Not counted in ClinVar's aggregate classification.

Counsyl
Classification: Benign for Lynch syndrome 4. Last evaluated: 2017-07-07. Review status: no assertion criteria provided. Collection method: clinical testing. Allele origin: unknown. Not counted in ClinVar's aggregate classification.

Clinical Genetics Laboratory, Department of Pathology, Netherlands Cancer Institute
Classification: Benign. Review status: no assertion criteria provided. Collection method: clinical testing. Allele origin: germline. Affected: yes. Study: VKGL Data-share Consensus. Not counted in ClinVar's aggregate classification.

Clinical Genetics, Academic Medical Center
Classification: Benign. Review status: no assertion criteria provided. Collection method: clinical testing. Allele origin: germline. Affected: yes. Study: VKGL Data-share Consensus. Not counted in ClinVar's aggregate classification.

Department of Pathology and Laboratory Medicine, Sinai Health System
Classification: Benign for Endometrial carcinoma. Review status: no assertion criteria provided. Collection method: clinical testing. Allele origin: unknown. Affected: yes. Study: The Canadian Open Genetics Repository (COGR). Not counted in ClinVar's aggregate classification.
Comment: â€šÃ„ÃºThe PMS2, c.2006+6G>A variant was identified in 7% of 253542 control alleles in the Genome Aggregation Consortium (February 27, 2017). According to ACMG guidelines for variant classification based on allele frequency, category BA1, this variant is considered benign and has not been further reviewed (Richards 2015).â€šÃ„Ã¹

Joint Genome Diagnostic Labs from Nijmegen and Maastricht, Radboudumc and MUMC+
Classification: Benign. Review status: no assertion criteria provided. Collection method: clinical testing. Allele origin: germline. Affected: yes. Study: VKGL Data-share Consensus. Not counted in ClinVar's aggregate classification.

Mayo Clinic Laboratories, Mayo Clinic
Classification: Benign. Review status: no assertion criteria provided. Collection method: clinical testing. Allele origin: unknown. Not counted in ClinVar's aggregate classification.